The following is an entry in ClinVar:

NM_145290.4(ADGRA3):c.2920G>A (p.Asp974Asn)

Gene: ADGRA3 (adhesion G protein-coupled receptor A3; minus strand). Cytogenetic location: 4p15.2.
Variant type: single nucleotide variant.
Coding change: c.2920G>A on transcript NM_145290.4 (MANE Select); coding-DNA position 2920, G replaced by A.
Protein change: p.Asp974Asn; replaces aspartic acid 974 with asparagine.
Molecular consequence: missense variant.
Genome position (GRCh38, 1-based): chr4:22,388,751, C>T on the plus strand (G>A on the coding strand, the complement: ADGRA3 is on the minus strand). VCF-style: chr4-22388751-C-T. GRCh37 (hg19) VCF-style: chr4-22390374-C-T.
Other names: short protein forms D974N.
Identifiers: ClinVar variation 4697284 (VCV004697284.1).

ClinVar aggregate classification (germline): Uncertain significance (1 of 4 stars; one submission).

Submission:

Labcorp Genetics (formerly Invitae), Labcorp
Classification: Uncertain significance. Last evaluated: 2025-08-12. Review status: criteria provided, single submitter. Criteria: Invitae Variant Classification Sherloc (09022015). Collection method: clinical testing. Allele origin: germline.
Comment: This sequence change replaces aspartic acid, which is acidic and polar, with asparagine, which is neutral and polar, at codon 974 of the ADGRA3 protein (p.Asp974Asn). This variant is present in population databases (rs780346073, gnomAD 0.02%). This variant has not been reported in the literature in individuals affected with ADGRA3-related conditions. An algorithm developed to predict the effect of missense changes on protein structure and function (PolyPhen-2) suggests that this variant is likely to be tolerated. In summary, the available evidence is currently insufficient to determine the role of this variant in disease. Therefore, it has been classified as a Variant of Uncertain Significance.